The following is an entry in ClinVar:

ClinVar aggregate classification (germline): Uncertain significance (1 of 4 stars; one submission).

Allele frequency attached by ClinVar (database versions not stated): gnomAD exomes below 0.00001; gnomAD 0.00001.
gnomAD v4.1: 2 of 1,208,233 alleles (0.00017%); highest among the groups gnomAD compares: East Asian, 0.0059%; no homozygotes.

Submission:

GeneDx
Classification: Uncertain significance. Last evaluated: 2022-07-22. Review status: criteria provided, single submitter. Criteria: GeneDx Variant Classification Process June 2021. Collection method: clinical testing. Allele origin: germline. Affected: yes.
Comment: Not observed at significant frequency in large population cohorts (gnomAD); In silico analysis supports that this missense variant does not alter protein structure/function; Has not been previously published as pathogenic or benign to our knowledge

NM_031407.7(HUWE1):c.5131G>A (p.Asp1711Asn)

Gene: HUWE1 (HECT, UBA and WWE domain containing E3 ubiquitin protein ligase 1; minus strand). Cytogenetic location: Xp11.22.
Variant type: single nucleotide variant.
Coding change: c.5131G>A on transcript NM_031407.7 (MANE Select); coding-DNA position 5131, G replaced by A.
Protein change: p.Asp1711Asn; replaces aspartic acid 1711 with asparagine.
Molecular consequence: missense variant.
Genome position (GRCh38, 1-based): chrX:53,584,216, C>T on the plus strand (G>A on the coding strand, the complement: HUWE1 is on the minus strand). VCF-style: chrX-53584216-C-T. GRCh37 (hg19) VCF-style: chrX-53611176-C-T.
Other names: short protein forms D1711N.
Identifiers: ClinVar variation 2136267 (VCV002136267.1), dbSNP rs2525562980, ClinGen allele CA413174609.
Genomic context (GRCh38, chrX:53,584,216, plus strand): 5'-AGCTTTAGGTAAAACACTCTTGGTACATACCATTGCCTTTATTTTCTTTACGTTTGATAT[C>T]CATTTCTTTGCTTTCTTCCAGCGTCTTCTCTAGTTCCTGTCCATTGCTGTTTTTTGAATT-3'
Protein context (NP_113584.3, residues 1701-1721): EKTLEESKEM[Asp1711Asn]IKRKENKGND